The following is an entry in ClinVar:

NM_001734.5(C1S):c.1955T>G (p.Leu652Arg)

Gene: C1S (complement C1s; plus strand). Cytogenetic location: 12p13.31.
Variant type: single nucleotide variant.
Coding change: c.1955T>G on transcript NM_001734.5 (MANE Select); coding-DNA position 1955, T replaced by G.
Protein change: p.Leu652Arg; replaces leucine 652 with arginine.
Molecular consequence: missense variant.
Genome position (GRCh38, 1-based): chr12:7,070,539, T>G. VCF-style: chr12-7070539-T-G. GRCh37 (hg19) VCF-style: chr12-7177843-T-G.
Other names: c.1955T>G, p.Leu652Arg (NM_201442.4); c.1454T>G, p.Leu485Arg (NM_001346850.2); short protein forms L485R, L652R.
Identifiers: ClinVar variation 3660381 (VCV003660381.2).

ClinVar aggregate classification (germline): Uncertain significance (1 of 4 stars; one submission).

Submission:

Labcorp Genetics (formerly Invitae), Labcorp
Classification: Uncertain significance. Last evaluated: 2024-07-23. Review status: criteria provided, single submitter. Criteria: Invitae Variant Classification Sherloc (09022015). Collection method: clinical testing. Allele origin: germline.
Comment: This sequence change replaces leucine, which is neutral and non-polar, with arginine, which is basic and polar, at codon 652 of the C1S protein (p.Leu652Arg). This variant is not present in population databases (gnomAD no frequency). This variant has not been reported in the literature in individuals affected with C1S-related conditions. Advanced modeling of protein sequence and biophysical properties (such as structural, functional, and spatial information, amino acid conservation, physicochemical variation, residue mobility, and thermodynamic stability) performed at Invitae indicates that this missense variant is expected to disrupt C1S protein function with a positive predictive value of 80%. In summary, the available evidence is currently insufficient to determine the role of this variant in disease. Therefore, it has been classified as a Variant of Uncertain Significance.